The following is an entry in ClinVar:

ClinVar aggregate classification (germline): Likely benign (0 of 4 stars; one submission).

Conditions:
NOTCH2-related disorder. Also called: NOTCH2-related condition.

gnomAD v4.1: 1 of 1,613,716 alleles (0.000062%); no homozygotes.

Submission:

PreventionGenetics, part of Exact Sciences
Classification: Likely benign for NOTCH2-related condition. Last evaluated: 2022-05-10. Review status: no assertion criteria provided. Collection method: clinical testing. Allele origin: germline.
Comment: This variant is classified as likely benign based on ACMG/AMP sequence variant interpretation guidelines (Richards et al. 2015 PMID: 25741868, with internal and published modifications).

NM_024408.4(NOTCH2):c.5484C>G (p.Gly1828=)

Gene: NOTCH2 (notch receptor 2; minus strand). Cytogenetic location: 1p12.
Variant type: single nucleotide variant.
Coding change: c.5484C>G on transcript NM_024408.4 (MANE Select); coding-DNA position 5484, C replaced by G.
Protein change: p.Gly1828=; no amino-acid change (glycine 1828 retained).
Molecular consequence: synonymous variant.
Genome position (GRCh38, 1-based): chr1:119,919,609, G>C on the plus strand (C>G on the coding strand, the complement: NOTCH2 is on the minus strand). VCF-style: chr1-119919609-G-C. GRCh37 (hg19) VCF-style: chr1-120462232-G-C.
Identifiers: ClinVar variation 3044806 (VCV003044806.2), dbSNP rs1649201611, ClinGen allele CA420190556.
Genomic context (GRCh38, chr1:119,919,609, plus strand): 5'-ATCTTCATCACTCAAATCTGAGCTGCCTCCTCGGAGAGAAGCCAACATCAATGGGGTGCA[G>C]CCATCTGTAGGAATGGAAAATTCCATAAAGTACTCAAGAAGGAGAAGGTAGTTAACCCTA-3'
Protein context (NP_077719.2, residues 1818-1838): VLDVNVRGPD[Gly1828=]CTPLMLASLR